The following is an entry in ClinVar:

NM_194454.3(KRIT1):c.535C>T (p.Arg179Ter)

Gene: KRIT1 (KRIT1 ankyrin repeat containing; minus strand). Cytogenetic location: 7q21.2.
Variant type: single nucleotide variant.
Coding change: c.535C>T on transcript NM_194454.3 (MANE Select); coding-DNA position 535, C replaced by T.
Protein change: p.Arg179Ter; replaces arginine 179 with a stop codon.
Molecular consequence: nonsense. On other transcripts: 5 prime UTR variant (1).
Genome position (GRCh38, 1-based): chr7:92,235,597, G>A on the plus strand (C>T on the coding strand, the complement: KRIT1 is on the minus strand). VCF-style: chr7-92235597-G-A. GRCh37 (hg19) VCF-style: chr7-91864911-G-A.
Other names: c.535C>T, p.Arg179Ter (NM_001013406.2, NM_001350669.1, NM_001350670.1 and 29 more transcripts); c.-49C>T (NM_001350671.1); c.535C>T (NM_194454.2); short protein forms R179*.
Identifiers: ClinVar variation 856854 (VCV000856854.18), dbSNP rs777198867, ClinGen allele CA4339349.

ClinVar aggregate classification (germline): Pathogenic. Review status: criteria provided, multiple submitters, no conflicts (2 of 4 stars). 7 submissions from 7 submitters: Pathogenic (7). Last evaluated 2025-09-06.

Conditions:
Cerebral cavernous malformation (CCM). Also called: CAVERNOUS ANGIOMA, FAMILIAL; CAVERNOUS ANGIOMATOUS MALFORMATIONS; CEREBRAL CAPILLARY MALFORMATIONS; Cerebral cavernous malformations; Cavernous Hemangioma of Brain; Cerebral cavernous hemangioma (type). Identifiers: Orphanet 221061, MedGen C2919945, MONDO:0000820, OMIM 116860, HP:0033522.
KRIT1-related disorder. Also called: KRIT1-related condition; KRIT1-related disorders.

Allele frequency attached by ClinVar (database versions not stated): TOPMed 0.00001; gnomAD 0.00001; gnomAD exomes below 0.00001; ExAC 0.00001.

Submissions (7):

Labcorp Genetics (formerly Invitae), Labcorp
Classification: Pathogenic for Cerebral cavernous malformation. Last evaluated: 2025-09-06. Review status: criteria provided, single submitter. Criteria: Invitae Variant Classification Sherloc (09022015). Collection method: clinical testing. Allele origin: germline.
Comment: This sequence change creates a premature translational stop signal (p.Arg179*) in the KRIT1 gene. It is expected to result in an absent or disrupted protein product. Loss-of-function variants in KRIT1 are known to be pathogenic (PMID: 10508515, 11222804, 12404106, 24689081). This variant is present in population databases (rs777198867, gnomAD 0.0009%). This premature translational stop signal has been observed in individuals with cerebral cavernous malformations (PMID: 12404106, 23595507). ClinVar contains an entry for this variant (Variation ID: 856854). Algorithms developed to predict the effect of sequence changes on RNA splicing suggest that this variant may disrupt the consensus splice site. For these reasons, this variant has been classified as Pathogenic.

Institute of Human Genetics Munich, TUM University Hospital
Classification: Pathogenic for Cerebral cavernous malformation. Last evaluated: 2025-05-20. Review status: criteria provided, single submitter. Criteria: Classification criteria August 2017. Collection method: clinical testing. Allele origin: germline. Inheritance: Autosomal dominant inheritance. Affected: yes. Observed: 1 variant allele.

Blueprint Genetics
Classification: Pathogenic for KRIT1-related disorders. Last evaluated: 2024-11-06. Review status: criteria provided, single submitter. Criteria: ACMG Guidelines, 2015. Collection method: clinical testing. Allele origin: germline. Affected: yes. Observed: 5 variant alleles.

Victorian Clinical Genetics Services, Murdoch Childrens Research Institute
Classification: Pathogenic for Cerebral cavernous malformation. Last evaluated: 2024-10-11. Review status: criteria provided, single submitter. Criteria: ACMG Guidelines, 2015. Collection method: clinical testing. Allele origin: germline. Inheritance: Autosomal dominant inheritance. Affected: yes.
Comment: Based on the classification scheme VCGS_Germline_v1.3.5, this variant is classified as Pathogenic. Following criteria are met: 0102 - Loss of function is a known mechanism of disease in this gene and is associated with cavernous malformations of CNS and retina, cerebral cavernous malformations-1 (CCM) and hyperkeratotic cutaneous capillary-venous malformations associated with cerebral capillary malformations (MIM#116860). (I) 0107 - This gene is associated with autosomal dominant disease. (I) 0112 - The condition associated with this gene has incomplete penetrance. This has been reported for variants resulting in familial CCM (PMID: 16571644, OMIM). (I) 0115 - Variants in this gene are known to have variable expressivity. Intra and interfamilial variability has been reported for variants causing CCM (PMID: 29593473). (I) 0201 - Variant is predicted to cause nonsense-mediated decay (NMD) and loss of protein (premature termination codon is located at least 54 nucleotides upstream of the final exon-exon junction). (SP) 0251 - This variant is heterozygous. (I) 0302 - Variant is present in gnomAD (v4) <0.001 for a dominant condition (10 heterozygotes, 0 homozygotes). (SP) 0701 - Other NMD-predicted variants comparable to the one identified in this case have very strong previous evidence for pathogenicity (DECIPHER). (SP) 0803 - This variant has limited previous evidence of pathogenicity in unrelated individuals. This variant has been classified as pathogenic in ClinVar, and has been observed in individuals with cerebral cavernous malformations (PMIDs: 12404106, 23828392, 36629374). (SP) 1208 - Inheritance information for this variant is not currently available in this individual. (I) Legend: (SP) - Supporting pathogenic, (I) - Information, (SB) - Supporting benign

Molecular Genetics, Royal Melbourne Hospital
Classification: Pathogenic for Cerebral cavernous malformation. Last evaluated: 2024-10-03. Review status: criteria provided, single submitter. Criteria: ACMG Guidelines, 2015. Collection method: clinical testing. Allele origin: germline. Inheritance: Autosomal dominant inheritance. Affected: yes.
Comment: This sequence change in KRIT1 is a nonsense variant predicted to create a premature stop codon, p.(Arg179*), in biologically relevant exon 8/19 leading to nonsense-mediated decay in a gene in which loss-of-function is an established disease mechanism (PMID: 20301470). Loss-of-function variants are a well-established cause of disease in exon 8 (ClinVar). The highest population minor allele frequency in the population database gnomAD v4.1 is 0.0008% (9/1,179,704 alleles) in the European (non-Finnish) population, consistent with an adult-onset dominant condition. This variant has been reported in multiple individuals with a clinical diagnosis of cerebral cavernous malformations (PMID: 12404106, 23828392, 27462358, 36629374). Based on the classification scheme RMH Modified ACMG/AMP Guidelines v1.7.0, this variant is classified as PATHOGENIC. Following criteria are met: PVS1, PS4, PM2_Supporting, PM5_Supporting.

GeneDx
Classification: Pathogenic. Last evaluated: 2023-05-04. Review status: criteria provided, single submitter. Criteria: GeneDx Variant Classification Process June 2021. Collection method: clinical testing. Allele origin: germline. Affected: yes.
Comment: Nonsense variant predicted to result in protein truncation or nonsense mediated decay in a gene for which loss of function is a known mechanism of disease; Not observed at significant frequency in large population cohorts (gnomAD); This variant is associated with the following publications: (PMID: 23828392, 25525159, 33278787, 23595507, 36629374, 27462358, 12404106)

Clinical Genetics Service, Universitary Hospital 12 de Octubre
Classification: Pathogenic for Cerebral cavernous malformation. Review status: criteria provided, single submitter. Criteria: ACMG Guidelines, 2015. Collection method: clinical testing. Allele origin: germline. Affected: yes.

Literature cited by the submitters: PubMed 10508515 (cited by Labcorp Genetics (formerly Invitae), Labcorp); PubMed 11222804 (cited by Labcorp Genetics (formerly Invitae), Labcorp); PubMed 12404106 (cited by 3 submitters); PubMed 24689081 (cited by Labcorp Genetics (formerly Invitae), Labcorp); PubMed 23595507 (cited by Labcorp Genetics (formerly Invitae), Labcorp); PubMed 16571644 (cited by Victorian Clinical Genetics Services, Murdoch Childrens Research Institute); PubMed 23828392 (cited by Victorian Clinical Genetics Services, Murdoch Childrens Research Institute and Molecular Genetics, Royal Melbourne Hospital); PubMed 29593473 (cited by Victorian Clinical Genetics Services, Murdoch Childrens Research Institute); PubMed 36629374 (cited by Victorian Clinical Genetics Services, Murdoch Childrens Research Institute and Molecular Genetics, Royal Melbourne Hospital); PubMed 20301470 (cited by Molecular Genetics, Royal Melbourne Hospital); PubMed 27462358 (cited by Molecular Genetics, Royal Melbourne Hospital).